The following is an entry in ClinVar:

ClinVar aggregate classification (germline): Pathogenic (1 of 4 stars; one submission).

Allele frequency attached by ClinVar (database versions not stated): gnomAD exomes below 0.00001.

Submission:

Labcorp Genetics (formerly Invitae), Labcorp
Classification: Pathogenic. Last evaluated: 2022-12-04. Review status: criteria provided, single submitter. Criteria: Invitae Variant Classification Sherloc (09022015). Collection method: clinical testing. Allele origin: germline.
Comment: For these reasons, this variant has been classified as Pathogenic. This variant has not been reported in the literature in individuals affected with ASPM-related conditions. This variant is not present in population databases (gnomAD no frequency). This sequence change creates a premature translational stop signal (p.Cys231Leufs*26) in the ASPM gene. It is expected to result in an absent or disrupted protein product. Loss-of-function variants in ASPM are known to be pathogenic (PMID: 19028728, 23611254).

Literature cited by the submitters: PubMed 19028728; PubMed 23611254.

NM_018136.5(ASPM):c.691dup (p.Cys231fs)

Gene: ASPM (assembly factor for spindle microtubules; minus strand). Cytogenetic location: 1q31.3.
Variant type: Duplication.
Coding change: c.691dup on transcript NM_018136.5 (MANE Select); coding-DNA position 691, one base duplicated (T; older notation c.691dupT).
Protein change: p.Cys231fs; shifts the reading frame from cysteine 231.
Molecular consequence: frameshift variant.
Genome position (GRCh38, 1-based): chr1:197,143,561, A duplicated on the plus strand (T on the coding strand, the reverse complement: ASPM is on the minus strand). VCF-style (leftmost placement, unchanged base first): chr1-197143560-C-CA. GRCh37 (hg19) VCF-style: chr1-197112690-C-CA.
Other names: c.691dup, p.Cys231fs (NM_001206846.2); short protein forms C231fs.
Identifiers: ClinVar variation 3011733 (VCV003011733.3), dbSNP rs2527405925, ClinGen allele CA2649664227.